The following is an entry in ClinVar:

NM_000363.5(TNNI3):c.490A>G (p.Lys164Glu)

Gene: TNNI3 (troponin I3, cardiac type; minus strand). Cytogenetic location: 19q13.42.
Variant type: single nucleotide variant.
Coding change: c.490A>G on transcript NM_000363.5 (MANE Select); coding-DNA position 490, A replaced by G.
Protein change: p.Lys164Glu; replaces lysine 164 with glutamic acid.
Molecular consequence: missense variant.
Genome position (GRCh38, 1-based): chr19:55,154,089, T>C on the plus strand (A>G on the coding strand, the complement: TNNI3 is on the minus strand). VCF-style: chr19-55154089-T-C. GRCh37 (hg19) VCF-style: chr19-55665457-T-C.
Other names: short protein forms K164E.
Identifiers: ClinVar variation 1707272 (VCV001707272.2), dbSNP rs2515498376, ClinGen allele CA407440348.

ClinVar aggregate classification (germline): Uncertain significance (1 of 4 stars; one submission).

Submission:

GeneDx
Classification: Uncertain significance. Last evaluated: 2022-03-23. Review status: criteria provided, single submitter. Criteria: GeneDx Variant Classification Process June 2021. Collection method: clinical testing. Allele origin: germline. Affected: yes.
Comment: Observed in an individual with hypertrophic cardiomyopathy (Walsh et al., 2017); Not observed at significant frequency in large population cohorts (gnomAD); In silico analysis supports that this missense variant has a deleterious effect on protein structure/function; This variant is associated with the following publications: (PMID: 27532257)